The following is an entry in ClinVar:

ClinVar aggregate classification (germline): Uncertain significance. Review status: criteria provided, multiple submitters, no conflicts (2 of 4 stars). 2 submissions from 2 submitters: Uncertain significance (2). Last evaluated 2025-10-15.

Conditions:
Polycystic kidney disease 4 (PKD4). Also called: PKD3; POLYCYSTIC KIDNEY AND HEPATIC DISEASE 1; POLYCYSTIC KIDNEY DISEASE, INFANTILE, TYPE I; POLYCYSTIC KIDNEY DISEASE 4 WITH OR WITHOUT POLYCYSTIC LIVER DISEASE; Autosomal Recessive Polycystic Kidney Disease – PKHD1. Identifiers: MedGen C4540575, MONDO:0033004, OMIM 263200.

gnomAD v4.1: 1 of 1,599,746 alleles (0.000063%); highest among the groups gnomAD compares: Non-Finnish European, 0.000086%; no homozygotes.

Submissions (2):

Myriad Genetics, Inc.
Classification: Uncertain significance for Polycystic kidney disease 4. Last evaluated: 2025-10-15. Review status: criteria provided, single submitter. Criteria: Myriad Autosomal Dominant, Autosomal Recessive and X-Linked Classification Criteria (2023). Collection method: clinical testing. Allele origin: unknown.
Comment: NM_138694.3(PKHD1):c.128A>T(D43V) is a missense variant classified as a variant of uncertain significance in the context of autosomal recessive polycystic kidney disease, PKHD1-related. D43V has not been observed in cases with relevant disease. Relevant functional assessments of this variant are not available in the literature. D43V has not been observed in referenced population frequency databases. In summary, there is insufficient evidence to classify NM_138694.3(PKHD1):c.128A>T(D43V) as pathogenic or benign. Please note: this variant was assessed in the context of healthy population screening.

Women's Health and Genetics/Laboratory Corporation of America, LabCorp
Classification: Uncertain significance. Last evaluated: 2024-08-12. Review status: criteria provided, single submitter. Criteria: LabCorp Variant Classification Summary - May 2015. Collection method: clinical testing. Allele origin: germline.
Comment: Variant summary: PKHD1 c.128A>T (p.Asp43Val) results in a non-conservative amino acid change in the encoded protein sequence. Five of five in-silico tools predict a damaging effect of the variant on protein function. The variant was absent in 251314 control chromosomes (gnomAD). The available data on variant occurrences in the general population are insufficient to allow any conclusion about variant significance. c.128A>T has been reported in the literature in an individual affected with Nephronophthisis (Braun_2016). These data do not allow any conclusion about variant significance. To our knowledge, no experimental evidence demonstrating an impact on protein function has been reported. The following publication has been ascertained in the context of this evaluation (PMID: 26489029). No submitters have cited clinical-significance assessments for this variant to ClinVar. Based on the evidence outlined above, the variant was classified as uncertain significance.

Literature cited by the submitters: PubMed 26489029 (cited by Women's Health and Genetics/Laboratory Corporation of America, LabCorp).

NM_138694.4(PKHD1):c.128A>T (p.Asp43Val)

Gene: PKHD1 (PKHD1 ciliary IPT domain containing fibrocystin/polyductin; minus strand). Cytogenetic location: 6p12.2.
Variant type: single nucleotide variant.
Coding change: c.128A>T on transcript NM_138694.4 (MANE Select); coding-DNA position 128, A replaced by T.
Protein change: p.Asp43Val; replaces aspartic acid 43 with valine.
Molecular consequence: missense variant.
Genome position (GRCh38, 1-based): chr6:52,083,180, T>A on the plus strand (A>T on the coding strand, the complement: PKHD1 is on the minus strand). VCF-style: chr6-52083180-T-A. GRCh37 (hg19) VCF-style: chr6-51947978-T-A.
Other names: c.128A>T, p.Asp43Val (NM_170724.3); short protein forms D43V.
Identifiers: ClinVar variation 3366850 (VCV003366850.2).